The following is an entry in ClinVar:

ClinVar aggregate classification (germline): Uncertain significance (1 of 4 stars; one submission).

Conditions:
Hereditary spastic paraplegia 8 (SPG8). Also called: SPASTIC PARAPLEGIA 8, AUTOSOMAL DOMINANT. Identifiers: Orphanet 100989, MedGen C1863704, MONDO:0011339, OMIM 603563.

Submission:

Neuberg Centre For Genomic Medicine, NCGM
Classification: Uncertain significance for Hereditary spastic paraplegia 8. Review status: criteria provided, single submitter. Criteria: ACMG Guidelines, 2015. Collection method: clinical testing. Allele origin: germline. Inheritance: Autosomal dominant inheritance. Affected: yes.
Comment: The missense variant c.2950A>G (p.Asn984Asp) in WASHC5 gene has not been reported previously as a pathogenic variant nor as a benign variant, to our knowledge. The p.Glu246Lys variant is novel (not in any individuals) in gnomAD Exomes and 1000 Genomes. The amino acid Asn at position 984 is changed to a Asp changing protein sequence and it might alter its composition and physico-chemical properties. The amino acid change p.Asn984Asp in WASHC5 is predicted as conserved by GERP++ and PhyloP across 100 vertebrates. For these reasons, this variant has been classified as Uncertain Significance.

NM_014846.4(WASHC5):c.2950A>G (p.Asn984Asp)

Gene: WASHC5 (WASH complex subunit 5; minus strand). Cytogenetic location: 8q24.13.
Variant type: single nucleotide variant.
Coding change: c.2950A>G on transcript NM_014846.4 (MANE Select); coding-DNA position 2950, A replaced by G.
Protein change: p.Asn984Asp; replaces asparagine 984 with aspartic acid.
Molecular consequence: missense variant.
Genome position (GRCh38, 1-based): chr8:125,039,799, T>C on the plus strand (A>G on the coding strand, the complement: WASHC5 is on the minus strand). VCF-style: chr8-125039799-T-C. GRCh37 (hg19) VCF-style: chr8-126052041-T-C.
Other names: c.2506A>G, p.Asn836Asp (NM_001330609.2); short protein forms N836D, N984D.
Identifiers: ClinVar variation 2585567 (VCV002585567.1), dbSNP rs2537289998, ClinGen allele CA372185193.
Genomic context (GRCh38, chr8:125,039,799, plus strand): 5'-CGTAGATAATAAACAATCCAAGCCCACGGATGGCTGTTTCAAACCCTGGCACTTACTTAT[T>C]GAGATTCTCCAGAGCAGCTGCCAGATGTTTAGAATCAAACCGACAAGAATAATTTAATTC-3'
Protein context (NP_055661.3, residues 974-994): KHLAAALENL[Asn984Asp]KALLADIEAH